The following is an entry in ClinVar:

ClinVar aggregate classification (germline): Conflicting classifications of pathogenicity. Review status: criteria provided, conflicting classifications (1 of 4 stars). 4 submissions from 4 submitters: Uncertain significance (2); Likely benign (1). 1 of the submissions does not count toward it. Last evaluated 2025-10-26.

Conditions:
FREM1-related disorder. Also called: FREM1-related condition; FREM1-Related Disorders.

gnomAD v4.1: 204 of 1,613,948 alleles (0.013%); highest among the groups gnomAD compares: African/African-American, 0.076%; no homozygotes.

Submissions (4):

Labcorp Genetics (formerly Invitae), Labcorp
Classification: Uncertain significance. Last evaluated: 2025-10-26. Review status: criteria provided, single submitter. Criteria: Invitae Variant Classification Sherloc (09022015). Collection method: clinical testing. Allele origin: germline.
Comment: This sequence change replaces alanine, which is neutral and non-polar, with glycine, which is neutral and non-polar, at codon 339 of the FREM1 protein (p.Ala339Gly). This variant is present in population databases (rs112925329, gnomAD 0.04%). This variant has not been reported in the literature in individuals affected with FREM1-related conditions. ClinVar contains an entry for this variant (Variation ID: 3349154). Invitae Evidence Modeling of protein sequence and biophysical properties (such as structural, functional, and spatial information, amino acid conservation, physicochemical variation, residue mobility, and thermodynamic stability) indicates that this missense variant is not expected to disrupt FREM1 protein function with a negative predictive value of 80%. In summary, the available evidence is currently insufficient to determine the role of this variant in disease. Therefore, it has been classified as a Variant of Uncertain Significance.

CeGaT Center for Human Genetics Tuebingen
Classification: Likely benign. Last evaluated: 2025-07-01. Review status: criteria provided, single submitter. Criteria: CeGaT Center For Human Genetics Tuebingen Variant Classification Criteria Version 2. Collection method: clinical testing. Allele origin: germline. Affected: yes. Observed: 1 variant allele.
Comment: FREM1: BP4

Blueprint Genetics
Classification: Uncertain significance. Last evaluated: 2024-10-31. Review status: criteria provided, single submitter. Criteria: ACMG Guidelines, 2015. Collection method: clinical testing. Allele origin: germline.

PreventionGenetics, part of Exact Sciences
Classification: Uncertain significance for FREM1-related condition. Last evaluated: 2024-06-06. Review status: no assertion criteria provided. Collection method: clinical testing. Allele origin: germline. Not counted in ClinVar's aggregate classification.
Comment: The FREM1 c.1016C>G variant is predicted to result in the amino acid substitution p.Ala339Gly. To our knowledge, this variant has not been reported in the literature. This variant is reported in 0.033% of alleles in individuals of African descent in gnomAD. At this time, the clinical significance of this variant is uncertain due to the absence of conclusive functional and genetic evidence.

NM_001379081.2(FREM1):c.1016C>G (p.Ala339Gly)

Gene: FREM1 (FRAS1 related extracellular matrix 1; minus strand). Cytogenetic location: 9p22.3.
Variant type: single nucleotide variant.
Coding change: c.1016C>G on transcript NM_001379081.2 (MANE Select); coding-DNA position 1016, C replaced by G.
Protein change: p.Ala339Gly; replaces alanine 339 with glycine.
Molecular consequence: missense variant. On other transcripts: non-coding transcript variant (4).
Genome position (GRCh38, 1-based): chr9:14,851,420, G>C on the plus strand (C>G on the coding strand, the complement: FREM1 is on the minus strand). VCF-style: chr9-14851420-G-C. GRCh37 (hg19) VCF-style: chr9-14851418-G-C.
Other names: c.1043C>G, p.Ala348Gly (NM_001370060.1); c.1016C>G, p.Ala339Gly (NM_001370063.1, NM_001370065.1, NM_144966.7); short protein forms A339G, A348G.
Identifiers: ClinVar variation 3349154 (VCV003349154.11).